The following is an entry in ClinVar:

NM_005477.3(HCN4):c.-585C>A

Gene: HCN4 (hyperpolarization activated cyclic nucleotide gated potassium channel 4; minus strand). Cytogenetic location: 15q24.1.
Variant type: single nucleotide variant.
Coding change: c.-585C>A on transcript NM_005477.3 (MANE Select); 585 bases upstream of the start codon, C replaced by A.
Molecular consequence: 5 prime UTR variant.
Genome position (GRCh38, 1-based): chr15:73,368,855, G>T on the plus strand (C>A on the coding strand, the complement: HCN4 is on the minus strand). VCF-style: chr15-73368855-G-T. GRCh37 (hg19) VCF-style: chr15-73661196-G-T.
Identifiers: ClinVar variation 887960 (VCV000887960.5), dbSNP rs140161530, ClinGen allele CA14135309.
Genomic context (GRCh38, chr15:73,368,855, plus strand): 5'-CGTCCCGGGGCTCCCGCCGCAACCGAGCGGAGCCCAGCGACCCGCCGGGCTTACATCAGC[G>T]GCCGCCTCCCCCGAAGCGCCCTCCGGCAGCGCTCGGGCTCCCGCGCCCCGGAATATTCAT-3'

ClinVar aggregate classification (germline): Benign. Review status: criteria provided, multiple submitters, no conflicts (2 of 4 stars). 2 submissions from 2 submitters: Benign (2). Last evaluated 2018-01-12.

Conditions:
Sick sinus syndrome 2, autosomal dominant (SSS2). Also called: ATRIAL FIBRILLATION WITH BRADYARRHYTHMIA; SINUS BRADYCARDIA SYNDROME, FAMILIAL, AUTOSOMAL DOMINANT; SINUS NODE DISEASE, FAMILIAL, AUTOSOMAL DOMINANT; SICK SINUS SYNDROME 2; SICK SINUS SYNDROME 2 WITH OR WITHOUT CARDIAC NONCOMPACTION AND/OR ASCENDING AORTA DILATION. Identifiers: Orphanet 166282, MedGen C1834144, MONDO:0008102, OMIM 163800.

Allele frequency attached by ClinVar (database versions not stated): 1000 Genomes Project 30x 0.01093; 1000 Genomes Project 0.01178; TOPMed 0.02443; gnomAD exomes 0.05357.

Submissions (2):

Illumina Laboratory Services, Illumina
Classification: Benign for Sick sinus syndrome 2, autosomal dominant. Last evaluated: 2018-01-12. Review status: criteria provided, single submitter. Criteria: ICSL Variant Classification Criteria 13 December 2019. Collection method: clinical testing. Allele origin: germline.
Comment: This variant was observed in the ICSL laboratory as part of a predisposition screen in an ostensibly healthy population. It had not been previously curated by ICSL or reported in the Human Gene Mutation Database (HGMD: prior to June 1st, 2018), and was therefore a candidate for classification through an automated scoring system. Utilizing variant allele frequency, disease prevalence and penetrance estimates, and inheritance mode, an automated score was calculated to assess if this variant is too frequent to cause the disease. Based on the score and internal cut-off values, a variant classified as benign is not then subjected to further curation. The score for this variant resulted in a classification of benign for this disease.

Breakthrough Genomics
Classification: Benign. Review status: criteria provided, single submitter. Criteria: ACMG Guidelines, 2015. Collection method: not provided. Allele origin: germline. Inheritance: Autosomal dominant inheritance. Affected: yes.